The following is an entry in ClinVar:

ClinVar aggregate classification (germline): Pathogenic (1 of 4 stars; one submission).

Conditions:
Familial cancer of breast. Also called: hereditary breast carcinoma; BREAST CANCER, FAMILIAL; Hereditary breast cancer. Identifiers: Orphanet 227535, MedGen C0346153, MONDO:0016419, OMIM 114480. Disease mechanism: loss of function.

Submission:

Labcorp Genetics (formerly Invitae), Labcorp
Classification: Pathogenic for Familial cancer of breast. Last evaluated: 2022-07-29. Review status: criteria provided, single submitter. Criteria: Invitae Variant Classification Sherloc (09022015). Collection method: clinical testing. Allele origin: germline.
Comment: This sequence change creates a premature translational stop signal (p.Leu200Phefs*4) in the PALB2 gene. It is expected to result in an absent or disrupted protein product. Loss-of-function variants in PALB2 are known to be pathogenic (PMID: 17200668, 17200671, 17200672, 24136930, 25099575). This variant is not present in population databases (gnomAD no frequency). This variant has not been reported in the literature in individuals affected with PALB2-related conditions. For these reasons, this variant has been classified as Pathogenic.

Literature cited by the submitters: PubMed 17200668; PubMed 17200671; PubMed 17200672; PubMed 24136930; PubMed 25099575.

NM_024675.4(PALB2):c.599dup (p.Leu200fs)

Gene: PALB2 (partner and localizer of BRCA2; minus strand). Cytogenetic location: 16p12.2.
Variant type: Duplication.
Coding change: c.599dup on transcript NM_024675.4 (MANE Select); coding-DNA position 599, one base duplicated (T; older notation c.599dupT).
Protein change: p.Leu200fs; shifts the reading frame from leucine 200.
Molecular consequence: frameshift variant.
Genome position (GRCh38, 1-based): chr16:23,635,947, A duplicated on the plus strand (T on the coding strand, the reverse complement: PALB2 is on the minus strand); the first of 4 consecutive A bases (chr16:23,635,947-23,635,950); duplicating any one gives the same sequence. VCF-style (leftmost placement, unchanged base first): chr16-23635946-T-TA. GRCh37 (hg19) VCF-style: chr16-23647267-T-TA.
Other names: c.536dup, p.Leu180Phefs (NM_001407296.1); c.596dup, p.Leu200Phefs (NM_001407297.1, NM_001407298.1, NM_001407299.1 and 3 more transcripts); c.-290dup (NM_001407304.1, NM_001407305.1, NM_001407306.1 and 5 more transcripts); short protein forms L200fs.
Identifiers: ClinVar variation 2020218 (VCV002020218.4), dbSNP rs587782081, ClinGen allele CA1139768280.